The following is an entry in ClinVar:

ClinVar aggregate classification (germline): Benign. Review status: criteria provided, multiple submitters, no conflicts (2 of 4 stars). 2 submissions from 2 submitters: Benign (2). Last evaluated 2018-06-14.

Allele frequency attached by ClinVar (database versions not stated): gnomAD exomes 0.04496 and 0.05887; ESP Exome Variant Server 0.04564; ExAC 0.05455; gnomAD 0.05880 and 0.05930; TOPMed 0.06633; 1000 Genomes Project 30x 0.07792; 1000 Genomes Project 0.08027.
gnomAD v4.1: 74,740 of 1,612,894 alleles (4.6%); highest among the groups gnomAD compares: East Asian, 16%; 2,619 homozygotes.

Submissions (2):

GeneDx
Classification: Benign. Last evaluated: 2018-06-14. Review status: criteria provided, single submitter. Criteria: GeneDx Variant Classification (06012015). Collection method: clinical testing. Allele origin: germline. Affected: yes.
Comment: This variant is considered likely benign or benign based on one or more of the following criteria: it is a conservative change, it occurs at a poorly conserved position in the protein, it is predicted to be benign by multiple in silico algorithms, and/or has population frequency not consistent with disease.

Breakthrough Genomics
Classification: Benign. Review status: criteria provided, single submitter. Criteria: ACMG Guidelines, 2015. Collection method: not provided. Allele origin: germline. Inheritance: Autosomal dominant inheritance. Affected: yes.

NM_000719.7(CACNA1C):c.5091+25C>T

Genes: CACNA1C (calcium voltage-gated channel subunit alpha1 C; plus strand), CACNA1C-AS1 (CACNA1C antisense RNA 1; minus strand). Cytogenetic location: 12p13.33.
Variant type: single nucleotide variant.
Coding change: c.5091+25C>T on transcript NM_000719.7 (MANE Select); 25 bases into the intron after coding-DNA position 5091, C replaced by T.
Molecular consequence: intron variant. On other transcripts: non-coding transcript variant (1).
Genome position (GRCh38, 1-based): chr12:2,677,892, C>T. VCF-style: chr12-2677892-C-T. GRCh37 (hg19) VCF-style: chr12-2787058-C-T.
Other names: c.5091+25C>T (NM_001167624.3, NM_001167623.2, NM_001129840.2 and 4 more transcripts); c.5058+25C>T (NM_001167625.2, NM_001129846.2); c.5235+25C>T (NM_199460.4, NM_001129827.2); c.5151+25C>T (NM_001129832.2); c.5175+25C>T (NM_001129831.2); c.5148+25C>T (NM_001129833.2, NM_001129834.2, NM_001129835.2); c.5214+25C>T (NM_001129829.2); c.5115+25C>T (NM_001129837.2, NM_001129838.2); and 3 more.
Identifiers: ClinVar variation 670941 (VCV000670941.2), dbSNP rs2302731, ClinGen allele CA6389691.